The following is an entry in ClinVar:

ClinVar aggregate classification (germline): Uncertain significance (1 of 4 stars; one submission).

Submission:

Ambry Genetics
Classification: Uncertain significance. Last evaluated: 2025-12-23. Review status: criteria provided, single submitter. Criteria: Ambry Variant Classification Scheme 2023. Collection method: clinical testing. Allele origin: germline.
Comment: The p.K32Q variant (also known as c.94A>C), located in coding exon 1 of the SRP72 gene, results from an A to C substitution at nucleotide position 94. The lysine at codon 32 is replaced by glutamine, an amino acid with similar properties. This amino acid position is conserved. In addition, this alteration is predicted to be tolerated by in silico analysis. Based on the available evidence, the clinical significance of this variant remains unclear.

NM_006947.4(SRP72):c.94A>C (p.Lys32Gln)

Gene: SRP72 (signal recognition particle 72; plus strand). Cytogenetic location: 4q12.
Variant type: single nucleotide variant.
Coding change: c.94A>C on transcript NM_006947.4 (MANE Select); coding-DNA position 94, A replaced by C.
Protein change: p.Lys32Gln; replaces lysine 32 with glutamine.
Molecular consequence: missense variant. On other transcripts: non-coding transcript variant (1).
Genome position (GRCh38, 1-based): chr4:56,467,729, A>C. VCF-style: chr4-56467729-A-C. GRCh37 (hg19) VCF-style: chr4-57333895-A-C.
Other names: c.94A>C, p.Lys32Gln (NM_001267722.2); short protein forms K32Q.
Identifiers: ClinVar variation 4841452 (VCV004841452.1).